The following is an entry in ClinVar:

NM_014712.3(SETD1A):c.1681G>C (p.Ala561Pro)

Gene: SETD1A (SET domain containing 1A, histone lysine methyltransferase; plus strand). Cytogenetic location: 16p11.2.
Variant type: single nucleotide variant.
Coding change: c.1681G>C on transcript NM_014712.3 (MANE Select); coding-DNA position 1681, G replaced by C.
Protein change: p.Ala561Pro; replaces alanine 561 with proline.
Molecular consequence: missense variant.
Genome position (GRCh38, 1-based): chr16:30,965,423, G>C. VCF-style: chr16-30965423-G-C. GRCh37 (hg19) VCF-style: chr16-30976744-G-C.
Other names: short protein forms A561P.
Identifiers: ClinVar variation 2407524 (VCV002407524.24), dbSNP rs373652892, ClinGen allele CA8016720.
Genomic context (GRCh38, chr16:30,965,423, plus strand): 5'-CCCCCTCCGGCCCCAGCTAATTTTGAGGATGTGGCACCTACAGGGAGCGGGGAGCCAGGG[G>C]CTACCCGGGAGTCTCCCAAGGCAAATGGACAGAACCAGGTGAGGTTGGGGTCAGCCAGAG-3'
Protein context (NP_055527.1, residues 551-571): VAPTGSGEPG[Ala561Pro]TRESPKANGQ

ClinVar aggregate classification (germline): Conflicting classifications of pathogenicity. Review status: criteria provided, conflicting classifications (1 of 4 stars). 2 submissions from 2 submitters: Uncertain significance (1); Likely benign (1). Last evaluated 2025-05-19.

Conditions:
Inborn genetic diseases. Identifiers: MedGen C0950123, MeSH D030342.

Allele frequency attached by ClinVar (database versions not stated): gnomAD exomes 0.00001; ExAC 0.00004; gnomAD 0.00005; ESP Exome Variant Server 0.00008; TOPMed 0.00009.

Submissions (2):

Ambry Genetics
Classification: Uncertain significance for Inborn genetic diseases. Last evaluated: 2025-05-19. Review status: criteria provided, single submitter. Criteria: Ambry Variant Classification Scheme 2023. Collection method: clinical testing. Allele origin: germline.

CeGaT Center for Human Genetics Tuebingen
Classification: Likely benign. Last evaluated: 2024-02-01. Review status: criteria provided, single submitter. Criteria: CeGaT Center For Human Genetics Tuebingen Variant Classification Criteria Version 2. Collection method: clinical testing. Allele origin: germline. Affected: yes. Observed: 1 variant allele.
Comment: SETD1A: BP4